The following is an entry in ClinVar:

ClinVar aggregate classification (germline): Likely benign (1 of 4 stars; one submission).

Conditions:
SEMA3F-related disorder. Also called: SEMA3F-related condition.

gnomAD v4.1: 10 of 1,611,742 alleles (0.00062%); highest among the groups gnomAD compares: African/African-American, 0.0027%; no homozygotes.

Submission:

PreventionGenetics, part of Exact Sciences
Classification: Likely benign for SEMA3F-related condition. Last evaluated: 2025-04-23. Review status: criteria provided, single submitter. Criteria: ACMG Guidelines, 2015. Collection method: clinical testing. Allele origin: germline.
Comment: This variant is classified as likely benign based on ACMG/AMP sequence variant interpretation guidelines (Richards et al. 2015 PMID: 25741868, with internal and published modifications).

NM_004186.5(SEMA3F):c.1457-8C>T

Gene: SEMA3F (semaphorin 3F; plus strand). Cytogenetic location: 3p21.31.
Variant type: single nucleotide variant.
Coding change: c.1457-8C>T on transcript NM_004186.5 (MANE Select); 8 bases into the intron before coding-DNA position 1457, C replaced by T.
Molecular consequence: intron variant.
Genome position (GRCh38, 1-based): chr3:50,185,435, C>T. VCF-style: chr3-50185435-C-T. GRCh37 (hg19) VCF-style: chr3-50222868-C-T.
Other names: c.1160-8C>T (NM_001318798.2); c.1364-8C>T (NM_001318800.2).
Identifiers: ClinVar variation 4987972 (VCV004987972.1).